The following is an entry in ClinVar:

NM_000038.6(APC):c.6463G>C (p.Glu2155Gln)

Gene: APC (APC regulator of Wnt signaling pathway; plus strand). Cytogenetic location: 5q22.2.
Variant type: single nucleotide variant.
Coding change: c.6463G>C on transcript NM_000038.6 (MANE Select); coding-DNA position 6463, G replaced by C.
Protein change: p.Glu2155Gln; replaces glutamic acid 2155 with glutamine.
Molecular consequence: missense variant.
Genome position (GRCh38, 1-based): chr5:112,842,057, G>C. VCF-style: chr5-112842057-G-C. GRCh37 (hg19) VCF-style: chr5-112177754-G-C.
Other names: c.6463G>C, p.Glu2155Gln (NM_001127510.3, NM_001354895.2); c.6409G>C, p.Glu2137Gln (NM_001127511.3); c.6517G>C, p.Glu2173Gln (NM_001354896.2); c.6493G>C, p.Glu2165Gln (NM_001354897.2); c.6388G>C, p.Glu2130Gln (NM_001354898.2); c.6379G>C, p.Glu2127Gln (NM_001354899.2); c.6340G>C, p.Glu2114Gln (NM_001354900.2); c.6286G>C, p.Glu2096Gln (NM_001354901.2); and 5 more; short protein forms E2114Q, E2173Q, E1872Q, E2054Q, E2064Q, E2165Q, E1995Q, E2096Q.
Identifiers: ClinVar variation 826419 (VCV000826419.12), dbSNP rs774440273, ClinGen allele CA16035472.

ClinVar aggregate classification (germline): Uncertain significance. Review status: criteria provided, multiple submitters, no conflicts (2 of 4 stars). 2 submissions from 2 submitters: Uncertain significance (2). Last evaluated 2025-03-25.

Conditions:
Hereditary cancer-predisposing syndrome. Also called: Neoplastic Syndromes, Hereditary; Tumor predisposition; Hereditary neoplastic syndrome; Hereditary Cancer Syndrome. Identifiers: Orphanet 140162, MedGen C0027672, MeSH D009386, MONDO:0015356.
Familial adenomatous polyposis 1 (FAP1). Also called: POLYPOSIS, ADENOMATOUS INTESTINAL; FAMILIAL ADENOMATOUS POLYPOSIS 1, ATTENUATED. Identifiers: MedGen C2713442, MONDO:0021056, OMIM 175100. Disease mechanism: loss of function.

Submissions (2):

Ambry Genetics
Classification: Uncertain significance for Hereditary cancer-predisposing syndrome. Last evaluated: 2025-03-25. Review status: criteria provided, single submitter. Criteria: Ambry Variant Classification Scheme 2023. Collection method: clinical testing. Allele origin: germline.
Comment: The p.E2155Q variant (also known as c.6463G>C), located in coding exon 15 of the APC gene, results from a G to C substitution at nucleotide position 6463. The glutamic acid at codon 2155 is replaced by glutamine, an amino acid with highly similar properties. This amino acid position is well conserved in available vertebrate species. In addition, in silico predictors for this gene do not accurately predict pathogenicity. Missense alterations in APC are not a common cause of disease (Spier I et al. Genet Med. 2024 Feb;26(2):100992). Based on the available evidence, the clinical significance of this variant remains unclear.

Labcorp Genetics (formerly Invitae), Labcorp
Classification: Uncertain significance for Familial adenomatous polyposis 1. Last evaluated: 2024-05-08. Review status: criteria provided, single submitter. Criteria: Invitae Variant Classification Sherloc (09022015). Collection method: clinical testing. Allele origin: germline.
Comment: This sequence change replaces glutamic acid, which is acidic and polar, with glutamine, which is neutral and polar, at codon 2155 of the APC protein (p.Glu2155Gln). This variant is not present in population databases (gnomAD no frequency). This variant has not been reported in the literature in individuals affected with APC-related conditions. ClinVar contains an entry for this variant (Variation ID: 826419). Advanced modeling of protein sequence and biophysical properties (such as structural, functional, and spatial information, amino acid conservation, physicochemical variation, residue mobility, and thermodynamic stability) performed at Invitae indicates that this missense variant is not expected to disrupt APC protein function with a negative predictive value of 95%. In summary, the available evidence is currently insufficient to determine the role of this variant in disease. Therefore, it has been classified as a Variant of Uncertain Significance.